The following is an entry in ClinVar:

NM_001080449.3(DNA2):c.1838A>G (p.His613Arg)

Gene: DNA2 (DNA replication helicase/nuclease 2; minus strand). Cytogenetic location: 10q21.3.
Variant type: single nucleotide variant.
Coding change: c.1838A>G on transcript NM_001080449.3 (MANE Select); coding-DNA position 1838, A replaced by G.
Protein change: p.His613Arg; replaces histidine 613 with arginine.
Molecular consequence: missense variant. On other transcripts: non-coding transcript variant (1).
Genome position (GRCh38, 1-based): chr10:68,432,241, T>C on the plus strand (A>G on the coding strand, the complement: DNA2 is on the minus strand). VCF-style: chr10-68432241-T-C. GRCh37 (hg19) VCF-style: chr10-70191998-T-C.
Other names: short protein forms H613R.
Identifiers: ClinVar variation 3613630 (VCV003613630.2).
Genomic context (GRCh38, chr10:68,432,241, plus strand): 5'-AGCAGACATGGTGATTTTAGCATACCCTTTAGAATGCAGGCAACTGTATCCTTTGCATCA[T>C]GTGGAAGAACAGAACTAAGGTAGGATATAAACTGAGGTTCACGAAAGTCAATAATTAAAT-3'
Protein context (NP_001073918.2, residues 603-623): FISYLSSVLP[His613Arg]DAKDTVACIL

ClinVar aggregate classification (germline): Uncertain significance (1 of 4 stars; one submission).

gnomAD v4.1: 5 of 1,606,678 alleles (0.00031%); highest among the groups gnomAD compares: Middle Eastern, 0.017%; no homozygotes.

Submission:

Labcorp Genetics (formerly Invitae), Labcorp
Classification: Uncertain significance. Last evaluated: 2024-03-12. Review status: criteria provided, single submitter. Criteria: Invitae Variant Classification Sherloc (09022015). Collection method: clinical testing. Allele origin: germline.
Comment: This sequence change replaces histidine, which is basic and polar, with arginine, which is basic and polar, at codon 613 of the DNA2 protein (p.His613Arg). This variant is not present in population databases (gnomAD no frequency). This variant has not been reported in the literature in individuals affected with DNA2-related conditions. Advanced modeling of protein sequence and biophysical properties (such as structural, functional, and spatial information, amino acid conservation, physicochemical variation, residue mobility, and thermodynamic stability) performed at Invitae indicates that this missense variant is not expected to disrupt DNA2 protein function with a negative predictive value of 80%. In summary, the available evidence is currently insufficient to determine the role of this variant in disease. Therefore, it has been classified as a Variant of Uncertain Significance.